The following is an entry in ClinVar:

NM_001242896.3(DEPDC5):c.4532T>G (p.Leu1511Arg)

Gene: DEPDC5 (DEP domain containing 5, GATOR1 subcomplex subunit; plus strand). Cytogenetic location: 22q12.3.
Variant type: single nucleotide variant.
Coding change: c.4532T>G on transcript NM_001242896.3 (MANE Select); coding-DNA position 4532, T replaced by G.
Protein change: p.Leu1511Arg; replaces leucine 1511 with arginine.
Molecular consequence: missense variant. On other transcripts: non-coding transcript variant (5).
Genome position (GRCh38, 1-based): chr22:31,906,217, T>G. VCF-style: chr22-31906217-T-G. GRCh37 (hg19) VCF-style: chr22-32302203-T-G.
Other names: c.4505T>G, p.Leu1502Arg (NM_001136029.4); c.4232T>G, p.Leu1411Arg (NM_001242897.2); c.4466T>G, p.Leu1489Arg (NM_001363852.2, NM_001364320.2); c.4298T>G, p.Leu1433Arg (NM_001363854.2, NM_001364319.2); c.4532T>G, p.Leu1511Arg (NM_001364318.2); c.4448T>G, p.Leu1483Arg (NM_001369901.1, NM_001369902.1); c.4439T>G, p.Leu1480Arg (NM_001369903.1, NM_014662.6); short protein forms L1411R, L1433R, L1511R, L1480R, L1483R, L1489R, L1502R.
Identifiers: ClinVar variation 2129845 (VCV002129845.4), dbSNP rs2523593162, ClinGen allele CA411292189.

ClinVar aggregate classification (germline): Uncertain significance (1 of 4 stars; one submission).

Conditions:
Familial focal epilepsy with variable foci (FPEVF). Identifiers: Orphanet 98820, MedGen C1858477, MONDO:0020310.

Submission:

Labcorp Genetics (formerly Invitae), Labcorp
Classification: Uncertain significance for Familial focal epilepsy with variable foci. Last evaluated: 2022-04-23. Review status: criteria provided, single submitter. Criteria: Invitae Variant Classification Sherloc (09022015). Collection method: clinical testing. Allele origin: germline.
Comment: In summary, the available evidence is currently insufficient to determine the role of this variant in disease. Therefore, it has been classified as a Variant of Uncertain Significance. Algorithms developed to predict the effect of missense changes on protein structure and function are either unavailable or do not agree on the potential impact of this missense change (SIFT: "Deleterious"; PolyPhen-2: "Not Available"; Align-GVGD: "Class C25"). This variant has not been reported in the literature in individuals affected with DEPDC5-related conditions. This variant is not present in population databases (gnomAD no frequency). This sequence change replaces leucine, which is neutral and non-polar, with arginine, which is basic and polar, at codon 1511 of the DEPDC5 protein (p.Leu1511Arg).